The following is an entry in ClinVar:

NM_152564.5(VPS13B):c.234A>G (p.Pro78=)

Gene: VPS13B (vacuolar protein sorting 13 homolog B; plus strand). Cytogenetic location: 8q22.2.
Variant type: single nucleotide variant.
Coding change: c.234A>G on transcript NM_152564.5 (MANE Select); coding-DNA position 234, A replaced by G.
Protein change: p.Pro78=; no amino-acid change (proline 78 retained).
Molecular consequence: synonymous variant. On other transcripts: non-coding transcript variant (1).
Genome position (GRCh38, 1-based): chr8:99,038,509, A>G. VCF-style: chr8-99038509-A-G. GRCh37 (hg19) VCF-style: chr8-100050737-A-G.
Other names: c.234A>G, p.Pro78= (NM_015243.3, NM_017890.5, NM_181661.3).
Identifiers: ClinVar variation 1095065 (VCV001095065.32), dbSNP rs372597619, ClinGen allele CA4822311.
Genomic context (GRCh38, chr8:99,038,509, plus strand): 5'-AAGTGGACATATTCATGAATTGAGGATTCATGTACCATGGACAAAACTGGGTTCAGAACC[A>G]GTGGTAATTACCATCAATACTATGGAATGCATTTTGAAACTTAAGGATGGGATACAGGTA-3'
Protein context (NP_689777.3, residues 68-88): HVPWTKLGSE[Pro78=]VVITINTMEC

ClinVar aggregate classification (germline): Likely benign. Review status: criteria provided, multiple submitters, no conflicts (2 of 4 stars). 2 submissions from 2 submitters: Likely benign (2). Last evaluated 2024-02-06.

Conditions:
Cohen syndrome (COH1). Also called: Cutis verticis gyrata, retinitis pigmentosa, and sensorineural deafness; PEPPER SYNDROME. Identifiers: Orphanet 193, MedGen C0265223, MONDO:0008999, OMIM 216550.

Allele frequency attached by ClinVar (database versions not stated): gnomAD 0.00001; gnomAD exomes 0.00001 and 0.00002; TOPMed 0.00002; ExAC 0.00004; ESP Exome Variant Server 0.00015.
gnomAD v4.1: 20 of 1,612,734 alleles (0.0012%); highest among the groups gnomAD compares: Non-Finnish European, 0.0015%; no homozygotes.

Submissions (2):

Labcorp Genetics (formerly Invitae), Labcorp
Classification: Likely benign for Cohen syndrome. Last evaluated: 2024-02-06. Review status: criteria provided, single submitter. Criteria: Invitae Variant Classification Sherloc (09022015). Collection method: clinical testing. Allele origin: germline.

CeGaT Center for Human Genetics Tuebingen
Classification: Likely benign. Last evaluated: 2022-06-01. Review status: criteria provided, single submitter. Criteria: CeGaT Center For Human Genetics Tuebingen Variant Classification Criteria Version 2. Collection method: clinical testing. Allele origin: germline. Affected: yes. Observed: 1 variant allele.
Comment: VPS13B: BP4, BP7